The following is an entry in ClinVar:

NM_000059.4(BRCA2):c.925dup (p.Ser309fs)

Gene: BRCA2 (BRCA2 DNA repair associated; plus strand). Cytogenetic location: 13q13.1.
Variant type: Duplication.
Coding change: c.925dup on transcript NM_000059.4 (MANE Select); coding-DNA position 925, one base duplicated (T; older notation c.925dupT).
Protein change: p.Ser309fs; shifts the reading frame from serine 309.
Molecular consequence: frameshift variant.
Genome position (GRCh38, 1-based): chr13:32,332,403, T duplicated; the last of 5 consecutive T bases (chr13:32,332,399-32,332,403); duplicating any one gives the same sequence. VCF-style (leftmost placement, unchanged base first): chr13-32332398-G-GT. GRCh37 (hg19) VCF-style: chr13-32906535-G-GT.
Other names: c.925dupT (NM_000059.3); short protein forms S309fs.
Identifiers: ClinVar variation 254484 (VCV000254484.8), dbSNP rs886038058, ClinGen allele CA10586487.

ClinVar aggregate classification (germline): Pathogenic. Review status: reviewed by expert panel (3 of 4 stars). 3 submissions from 3 submitters: Pathogenic (1). 2 of the submissions do not count toward it. Last evaluated 2016-09-08.

Conditions:
Hereditary cancer-predisposing syndrome. Also called: Tumor predisposition; Hereditary Cancer Syndrome; Neoplastic Syndromes, Hereditary; Hereditary neoplastic syndrome. Identifiers: Orphanet 140162, MedGen C0027672, MeSH D009386, MONDO:0015356.
Hereditary breast ovarian cancer syndrome. Also called: Hereditary breast and ovarian cancer; Breast and ovarian cancer; Hereditary breast and/or ovarian cancer syndrome; BRCA1- and BRCA2-Associated Hereditary Breast and Ovarian Cancer; Hereditary breast and ovarian cancer syndrome; Hereditary breast and ovarian cancer syndrome (HBOC). Identifiers: Orphanet 145, MedGen C0677776, MeSH D061325, MONDO:0003582. Disease mechanism: loss of function.
Breast-ovarian cancer, familial, susceptibility to, 2 (BROVCA2). Also called: BRCA2 Hereditary Breast and Ovarian Cancer. Identifiers: Orphanet 145, MedGen C2675520, MONDO:0012933, OMIM 612555. Disease mechanism: loss of function.

Submissions (3):

Evidence-based Network for the Interpretation of Germline Mutant Alleles (ENIGMA)
Classification: Pathogenic for Breast-ovarian cancer, familial, susceptibility to, 2. Last evaluated: 2016-09-08. Review status: reviewed by expert panel. Criteria: ENIGMA BRCA1/2 Classification Criteria (2015). Collection method: curation. Allele origin: germline.
Comment: Variant allele predicted to encode a truncated non-functional protein.

Ambry Genetics
Classification: Pathogenic for Hereditary cancer-predisposing syndrome. Last evaluated: 2023-12-06. Review status: criteria provided, single submitter. Criteria: Ambry Variant Classification Scheme 2023. Collection method: clinical testing. Allele origin: germline. Not counted in ClinVar's aggregate classification.
Comment: The c.925dupT pathogenic mutation, located in coding exon 9 of the BRCA2 gene, results from a duplication of T at nucleotide position 925, causing a translational frameshift with a predicted alternate stop codon (p.S309Ffs*6). This alteration was identified in an individual diagnosed with pancreatic cancer (Sonnenblick A et al. Cancer Biol Ther, 2011 Aug;12:165-8). This alteration is also known as 1153insertionT in published literature. This variant is considered to be rare based on population cohorts in the Genome Aggregation Database (gnomAD). In addition to the clinical data presented in the literature, this alteration is expected to result in loss of function by premature protein truncation or nonsense-mediated mRNA decay. As such, this alteration is interpreted as a disease-causing mutation.

Labcorp Genetics (formerly Invitae), Labcorp
Classification: Pathogenic for Hereditary breast ovarian cancer syndrome. Last evaluated: 2023-09-20. Review status: criteria provided, single submitter. Criteria: Invitae Variant Classification Sherloc (09022015). Collection method: clinical testing. Allele origin: germline. Not counted in ClinVar's aggregate classification.
Comment: For these reasons, this variant has been classified as Pathogenic. ClinVar contains an entry for this variant (Variation ID: 254484). This variant is also known as 1153insertionT. This premature translational stop signal has been observed in individual(s) with pancreatic adenocarcinoma (PMID: 21613821). This variant is not present in population databases (gnomAD no frequency). This sequence change creates a premature translational stop signal (p.Ser309Phefs*6) in the BRCA2 gene. It is expected to result in an absent or disrupted protein product. Loss-of-function variants in BRCA2 are known to be pathogenic (PMID: 20104584).

Literature cited by the submitters: PubMed 21613821 (cited by Ambry Genetics and Labcorp Genetics (formerly Invitae), Labcorp); PubMed 20104584 (cited by Labcorp Genetics (formerly Invitae), Labcorp).